The following is an entry in ClinVar:

NM_001100.4(ACTA1):c.925C>G (p.Pro309Ala)

Gene: ACTA1 (actin alpha 1, skeletal muscle; minus strand). Cytogenetic location: 1q42.13.
Variant type: single nucleotide variant.
Coding change: c.925C>G on transcript NM_001100.4 (MANE Select); coding-DNA position 925, C replaced by G.
Protein change: p.Pro309Ala; replaces proline 309 with alanine.
Molecular consequence: missense variant.
Genome position (GRCh38, 1-based): chr1:229,431,786, G>C on the plus strand (C>G on the coding strand, the complement: ACTA1 is on the minus strand). VCF-style: chr1-229431786-G-C. GRCh37 (hg19) VCF-style: chr1-229567533-G-C.
Other names: short protein forms P309A.
Identifiers: ClinVar variation 4685499 (VCV004685499.1).

ClinVar aggregate classification (germline): Pathogenic (1 of 4 stars; one submission).

Conditions:
Congenital myopathy 4A, autosomal dominant (CMYO4A). Identifiers: MedGen CN178536, MONDO:0800341, OMIM 255310.

Submission:

Imagene.me medical diagnostic laboratory, IMAGENE.ME SA
Classification: Pathogenic for Congenital myopathy 4A, autosomal dominant. Review status: criteria provided, single submitter. Criteria: IMAGENE.ME Variant Classification SOP 2022. Collection method: clinical testing. Allele origin: de novo. Affected: yes.
Comment: Classified according to the IMAGENE.ME variant classification SOP based on the ACMG guidelines as Pathogenic (P): PS2 + PM1 + PM2 + PP2 + PP3_Moderate + PP4